The following is an entry in ClinVar:

ClinVar aggregate classification (germline): Conflicting classifications of pathogenicity. Review status: criteria provided, conflicting classifications (1 of 4 stars). 2 submissions from 2 submitters: Uncertain significance (1); Likely benign (1). Last evaluated 2024-09-11.

Allele frequency attached by ClinVar (database versions not stated): ExAC 0.00002; ESP Exome Variant Server 0.00009.
gnomAD v4.1: 117 of 1,209,416 alleles (0.0097%); highest among the groups gnomAD compares: Admixed American, 0.042%; no homozygotes.

Submissions (2):

Ambry Genetics
Classification: Uncertain significance. Last evaluated: 2024-09-11. Review status: criteria provided, single submitter. Criteria: Ambry Variant Classification Scheme 2023. Collection method: clinical testing. Allele origin: germline.

CeGaT Center for Human Genetics Tuebingen
Classification: Likely benign. Last evaluated: 2023-03-01. Review status: criteria provided, single submitter. Criteria: CeGaT Center For Human Genetics Tuebingen Variant Classification Criteria Version 2. Collection method: clinical testing. Allele origin: germline. Affected: yes. Observed: 1 variant allele.
Comment: SYTL5: BS2

NM_138780.3(SYTL5):c.295G>C (p.Gly99Arg)

Gene: SYTL5 (synaptotagmin like 5; plus strand). Cytogenetic location: Xp11.4.
Variant type: single nucleotide variant.
Coding change: c.295G>C on transcript NM_138780.3 (MANE Select); coding-DNA position 295, G replaced by C.
Protein change: p.Gly99Arg; replaces glycine 99 with arginine.
Molecular consequence: missense variant.
Genome position (GRCh38, 1-based): chrX:38,054,388, G>C. VCF-style: chrX-38054388-G-C. GRCh37 (hg19) VCF-style: chrX-37913641-G-C.
Other names: c.295G>C, p.Gly99Arg (NM_001163334.1, NM_001163335.2); short protein forms G99R.
Identifiers: ClinVar variation 2378747 (VCV002378747.27), dbSNP rs200888867, ClinGen allele CA10384199.
Genomic context (GRCh38, chrX:38,054,388, plus strand): 5'-GACCCTTGTCAGGCTTGCTCACTGAGGGTATGCAGGGAGTGTCGAGTTGCAGGCCCCAAT[G>C]GCAGCTGGAAGTGCACTGTCTGTGACAAAATCGCGTGAGTTTCTTGATTTTTCATGGAAA-3'
Protein context (NP_620135.1, residues 89-109): CRECRVAGPN[Gly99Arg]SWKCTVCDKI